The following is an entry in ClinVar:

ClinVar aggregate classification (germline): Uncertain significance. Review status: criteria provided, multiple submitters, no conflicts (2 of 4 stars). 3 submissions from 3 submitters: Uncertain significance (3). Last evaluated 2025-06-17.

Conditions:
Mosaic variegated aneuploidy syndrome 1 (MVA1). Also called: Warburton-Anyane-Yeboa syndrome. Identifiers: Orphanet 1052, MedGen C1850343, MONDO:0009759, OMIM 257300.
Premature chromatid separation trait (PCS). Also called: TOTAL PREMATURE CHROMATID SEPARATION TRAIT. Identifiers: MedGen C1864389, MONDO:0008304, OMIM 176430.
Colorectal cancer. Also called: Malignant Colorectal Neoplasm; Colorectal cancer, somatic. Identifiers: MedGen C0346629, MONDO:0005575, OMIM 114500.

Allele frequency attached by ClinVar (database versions not stated): gnomAD exomes below 0.00001; gnomAD 0.00001; TOPMed below 0.00001.
gnomAD v4.1: 2 of 1,613,990 alleles (0.00012%); highest among the groups gnomAD compares: Admixed American, 0.0033%; no homozygotes.

Submissions (3):

St. Jude Molecular Pathology, St. Jude Children's Research Hospital
Classification: Uncertain significance for Mosaic variegated aneuploidy syndrome 1. Last evaluated: 2025-06-17. Review status: criteria provided, single submitter. Criteria: St. Jude Assertion Criteria 2020. Collection method: clinical testing. Allele origin: germline.
Comment: The BUB1B c.2271G>T p.(Lys757Asn) missense change has a maximum subpopulation frequency of 0.003%in gnomAD v2.1.1. The in silico tool REVEL predicts a benign effect on protein function, but to our knowledge this prediction has not been confirmed by functional studies. To our knowledge, this variant has not been reported in individuals with mosaic variegated aneuploidy syndrome. In summary, the evidence currently available is insufficient to determine the role of this variant in mosaic variegated aneuploidy syndrome. It has therefore been classified as of uncertain significance.

Fulgent Genetics
Classification: Uncertain significance for Colorectal cancer; Premature chromatid separation trait; Mosaic variegated aneuploidy syndrome 1. Last evaluated: 2024-01-18. Review status: criteria provided, single submitter. Criteria: ACMG Guidelines, 2015. Collection method: clinical testing. Allele origin: germline.

Labcorp Genetics (formerly Invitae), Labcorp
Classification: Uncertain significance for Mosaic variegated aneuploidy syndrome 1. Last evaluated: 2021-02-19. Review status: criteria provided, single submitter. Criteria: Invitae Variant Classification Sherloc (09022015). Collection method: clinical testing. Allele origin: germline.
Comment: This sequence change replaces lysine with asparagine at codon 757 of the BUB1B protein (p.Lys757Asn). The lysine residue is moderately conserved and there is a moderate physicochemical difference between lysine and asparagine. This variant is not present in population databases (ExAC no frequency). This variant has not been reported in the literature in individuals with BUB1B-related conditions. ClinVar contains an entry for this variant (Variation ID: 658106). Algorithms developed to predict the effect of missense changes on protein structure and function (SIFT, PolyPhen-2, Align-GVGD) all suggest that this variant is likely to be tolerated, but these predictions have not been confirmed by published functional studies and their clinical significance is uncertain. In summary, the available evidence is currently insufficient to determine the role of this variant in disease. Therefore, it has been classified as a Variant of Uncertain Significance.

NM_001211.6(BUB1B):c.2271G>T (p.Lys757Asn)

Gene: BUB1B (BUB1 mitotic checkpoint serine/threonine kinase B; plus strand). Cytogenetic location: 15q15.1.
Variant type: single nucleotide variant.
Coding change: c.2271G>T on transcript NM_001211.6 (MANE Select); coding-DNA position 2271, G replaced by T.
Protein change: p.Lys757Asn; replaces lysine 757 with asparagine.
Molecular consequence: missense variant.
Genome position (GRCh38, 1-based): chr15:40,209,762, G>T. VCF-style: chr15-40209762-G-T. GRCh37 (hg19) VCF-style: chr15-40501963-G-T.
Other names: short protein forms K757N.
Identifiers: ClinVar variation 658106 (VCV000658106.13), dbSNP rs1007572176, ClinGen allele CA268800971.